The following is an entry in ClinVar:

NM_000548.5(TSC2):c.4432G>C (p.Asp1478His)

Gene: TSC2 (TSC complex subunit 2; plus strand). Cytogenetic location: 16p13.3.
Variant type: single nucleotide variant.
Coding change: c.4432G>C on transcript NM_000548.5 (MANE Select); coding-DNA position 4432, G replaced by C.
Protein change: p.Asp1478His; replaces aspartic acid 1478 with histidine.
Molecular consequence: missense variant.
Genome position (GRCh38, 1-based): chr16:2,084,654, G>C. VCF-style: chr16-2084654-G-C. GRCh37 (hg19) VCF-style: chr16-2134655-G-C.
Other names: c.4231G>C, p.Asp1411His (NM_001077183.3); c.4363G>C, p.Asp1455His (NM_001114382.3); c.4123G>C, p.Asp1375His (NM_001318827.2); c.4087G>C, p.Asp1363His (NM_001318829.2); c.3700G>C, p.Asp1234His (NM_001318831.2); c.4264G>C, p.Asp1422His (NM_001318832.2); c.4234G>C, p.Asp1412His (NM_001363528.2); c.4300G>C, p.Asp1434His (NM_001370404.1); and 1 more; short protein forms D1478H, D1435H, D1234H, D1412H, D1363H, D1411H, D1422H, D1434H.
Identifiers: ClinVar variation 49925 (VCV000049925.59), dbSNP rs45517343, ClinGen allele CA020460.
Genomic context (GRCh38, chr16:2,084,654, plus strand): 5'-CCCCGAGGTTACACCATCTCCGACTCGGCCCCATCACGCAGGGGCAAGAGAGTAGAGAGG[G>C]ACGCCTTAAAGAGCAGAGCCACAGCCTCCAATGCAGAGAAAGTGCCAGGCATCAACCCCA-3'
Protein context (NP_000539.2, residues 1468-1488): PSRRGKRVER[Asp1478His]ALKSRATASN

ClinVar aggregate classification (germline): Conflicting classifications of pathogenicity. Review status: criteria provided, conflicting classifications (1 of 4 stars). 7 submissions from 7 submitters: Uncertain significance (2); Likely benign (4). 1 of the submissions does not count toward it. Last evaluated 2025-10-14.

Conditions:
Hereditary cancer-predisposing syndrome. Also called: Hereditary Cancer Syndrome; Tumor predisposition; Neoplastic Syndromes, Hereditary; Hereditary neoplastic syndrome. Identifiers: Orphanet 140162, MedGen C0027672, MeSH D009386, MONDO:0015356.
Tuberous sclerosis syndrome (TSC). Also called: Tuberous Sclerosis Complex; Tuberous sclerosis. Identifiers: Orphanet 805, MedGen C0041341, MONDO:0001734.
Tuberous sclerosis 2 (TSC2). Identifiers: Orphanet 805, MedGen C1860707, MONDO:0013199, OMIM 613254.

gnomAD v4.1: 3 of 1,599,254 alleles (0.00019%); highest among the groups gnomAD compares: Non-Finnish European, 0.00025%; no homozygotes.

Submissions (7):

Labcorp Genetics (formerly Invitae), Labcorp
Classification: Likely benign for Tuberous sclerosis 2. Last evaluated: 2025-10-14. Review status: criteria provided, single submitter. Criteria: Invitae Variant Classification Sherloc (09022015). Collection method: clinical testing. Allele origin: germline.

Color Diagnostics, LLC DBA Color Health
Classification: Uncertain significance for Tuberous sclerosis syndrome. Last evaluated: 2024-03-04. Review status: criteria provided, single submitter. Criteria: ACMG Guidelines, 2015. Collection method: clinical testing. Allele origin: germline.
Comment: This missense variant replaces aspartic acid with histidine at codon 1478 of the TSC2 protein. Computational prediction is inconclusive regarding the impact of this variant on protein structure and function. To our knowledge, functional studies have not been reported for this variant. This variant has not been reported in individuals affected with tuberous sclerosis complex in the literature. This variant has not been identified in the general population by the Genome Aggregation Database (gnomAD). The available evidence is insufficient to determine the role of this variant in disease conclusively. Therefore, this variant is classified as a Variant of Uncertain Significance.

Ambry Genetics
Classification: Likely benign for Hereditary cancer-predisposing syndrome. Last evaluated: 2023-07-17. Review status: criteria provided, single submitter. Criteria: Ambry Variant Classification Scheme 2023. Collection method: clinical testing. Allele origin: germline.

Genome-Nilou Lab
Classification: Likely benign for Tuberous sclerosis 2. Last evaluated: 2021-11-07. Review status: criteria provided, single submitter. Criteria: ACMG Guidelines, 2015. Collection method: clinical testing. Allele origin: germline. Affected: no.

GeneDx
Classification: Likely benign. Last evaluated: 2019-12-05. Review status: criteria provided, single submitter. Criteria: GeneDx Variant Classification Process June 2021. Collection method: clinical testing. Allele origin: germline. Affected: yes.
Comment: This variant is associated with the following publications: (PMID: 23514105, 28250423)

CeGaT Center for Human Genetics Tuebingen
Classification: Uncertain significance. Last evaluated: 2019-04-01. Review status: criteria provided, single submitter. Criteria: CeGaT Center For Human Genetics Tuebingen Variant Classification Criteria Version 2. Collection method: clinical testing. Allele origin: germline. Affected: yes. Observed: 1 variant allele.

Tuberous sclerosis database (TSC2)
No classification provided. Condition: TSC. Review status: no classification provided. Criteria: Tuberous Sclerosis Database Assertion Criteria 2015. Collection method: curation. Allele origin: germline. Affected: yes. Not counted in ClinVar's aggregate classification.